The following is an entry in ClinVar:

NM_001164508.2(NEB):c.6807+5A>G

Gene: NEB (nebulin; minus strand). Cytogenetic location: 2q23.3.
Variant type: single nucleotide variant.
Coding change: c.6807+5A>G on transcript NM_001164508.2 (MANE Select); 5 bases into the intron after coding-DNA position 6807, A replaced by G.
Molecular consequence: intron variant.
Genome position (GRCh38, 1-based): chr2:151,655,265, T>C on the plus strand (A>G on the coding strand, the complement: NEB is on the minus strand). VCF-style: chr2-151655265-T-C. GRCh37 (hg19) VCF-style: chr2-152511779-T-C.
Other names: c.6807+5A>G (NM_004543.5, NM_001164507.2, NM_001271208.2).
Identifiers: ClinVar variation 934447 (VCV000934447.9), dbSNP rs746481799, ClinGen allele CA1910003.

ClinVar aggregate classification (germline): Uncertain significance. Review status: criteria provided, multiple submitters, no conflicts (2 of 4 stars). 3 submissions from 3 submitters: Uncertain significance (2). 1 of the submissions does not count toward it. Last evaluated 2025-09-05.

Conditions:
Nemaline myopathy 2 (NEM2). Also called: Nemaline myopathy 2, autosomal recessive. Identifiers: MedGen C1850569, MONDO:0009725, OMIM 256030.

Allele frequency attached by ClinVar (database versions not stated): gnomAD exomes 0.00001 and 0.00002; ExAC 0.00005; gnomAD 0.00009 and 0.00011; TOPMed 0.00010.
gnomAD v4.1: 24 of 1,490,916 alleles (0.0016%); highest among the groups gnomAD compares: African/African-American, 0.028%; no homozygotes.

Submissions (3):

Women's Health and Genetics/Laboratory Corporation of America, LabCorp
Classification: Uncertain significance. Last evaluated: 2025-09-05. Review status: criteria provided, single submitter. Criteria: LabCorp Variant Classification Summary - May 2015. Collection method: clinical testing. Allele origin: germline.

Labcorp Genetics (formerly Invitae), Labcorp
Classification: Uncertain significance for Nemaline myopathy 2. Last evaluated: 2022-06-13. Review status: criteria provided, single submitter. Criteria: Invitae Variant Classification Sherloc (09022015). Collection method: clinical testing. Allele origin: germline.
Comment: This sequence change falls in intron 51 of the NEB gene. It does not directly change the encoded amino acid sequence of the NEB protein. It affects a nucleotide within the consensus splice site. This variant is present in population databases (rs746481799, gnomAD 0.03%). This variant has not been reported in the literature in individuals affected with NEB-related conditions. ClinVar contains an entry for this variant (Variation ID: 934447). Variants that disrupt the consensus splice site are a relatively common cause of aberrant splicing (PMID: 17576681, 9536098). Algorithms developed to predict the effect of sequence changes on RNA splicing suggest that this variant is not likely to affect RNA splicing. In summary, the available evidence is currently insufficient to determine the role of this variant in disease. Therefore, it has been classified as a Variant of Uncertain Significance.

Natera, Inc.
Classification: Uncertain significance for Nemaline myopathy type 2. Last evaluated: 2020-01-24. Review status: no assertion criteria provided. Collection method: clinical testing. Allele origin: germline. Not counted in ClinVar's aggregate classification.

Literature cited by the submitters: PubMed 17576681 (cited by Labcorp Genetics (formerly Invitae), Labcorp); PubMed 9536098 (cited by Labcorp Genetics (formerly Invitae), Labcorp).